The following is an entry in ClinVar:

ClinVar aggregate classification (germline): Conflicting classifications of pathogenicity. Review status: criteria provided, conflicting classifications (1 of 4 stars). 4 submissions from 4 submitters: Uncertain significance (3); Likely benign (1). Last evaluated 2025-09-08.

Conditions:
Cardiovascular phenotype. Identifiers: MedGen CN230736.
Hypertrophic cardiomyopathy 14. Identifiers: MedGen C2750467, MONDO:0013197, OMIM 613251.

Allele frequency attached by ClinVar (database versions not stated): gnomAD 0.00003 and 0.00004; gnomAD exomes 0.00004; ExAC 0.00006; ESP Exome Variant Server 0.00008.
gnomAD v4.1: 100 of 1,613,456 alleles (0.0062%); highest among the groups gnomAD compares: Middle Eastern, 0.033%; no homozygotes.

Submissions (4):

Ambry Genetics
Classification: Uncertain significance for Cardiovascular phenotype. Last evaluated: 2025-09-08. Review status: criteria provided, single submitter. Criteria: Ambry Variant Classification Scheme 2023. Collection method: clinical testing. Allele origin: germline.
Comment: The p.E328K variant (also known as c.982G>A), located in coding exon 9 of the MYH6 gene, results from a G to A substitution at nucleotide position 982. The glutamic acid at codon 328 is replaced by lysine, an amino acid with similar properties. This variant co-occurred with variants in other cardiac-related genes in individuals from hypertrophic cardiomyopathy and sudden cardiac arrest cohorts; however, details were limited (Mademont-Soler I et al. PLoS One, 2017 Aug;12:e0181465; Asatryan B et al. Am J Cardiol, 2019 06;123:2031-2038). This amino acid position is well conserved in available vertebrate species. In addition, the in silico prediction for this alteration is inconclusive. Since supporting evidence is limited at this time, the clinical significance of this alteration remains unclear.

Labcorp Genetics (formerly Invitae), Labcorp
Classification: Uncertain significance for Hypertrophic cardiomyopathy 14. Last evaluated: 2025-07-24. Review status: criteria provided, single submitter. Criteria: Invitae Variant Classification Sherloc (09022015). Collection method: clinical testing. Allele origin: germline.
Comment: This sequence change replaces glutamic acid, which is acidic and polar, with lysine, which is basic and polar, at codon 328 of the MYH6 protein (p.Glu328Lys). This variant is present in population databases (rs144422878, gnomAD 0.007%). This missense change has been observed in individual(s) with sudden cardiac arrest (PMID: 30975432). ClinVar contains an entry for this variant (Variation ID: 1414911). Invitae Evidence Modeling of protein sequence and biophysical properties (such as structural, functional, and spatial information, amino acid conservation, physicochemical variation, residue mobility, and thermodynamic stability) indicates that this missense variant is not expected to disrupt MYH6 protein function with a negative predictive value of 80%. In summary, the available evidence is currently insufficient to determine the role of this variant in disease. Therefore, it has been classified as a Variant of Uncertain Significance.

GeneDx
Classification: Uncertain significance. Last evaluated: 2024-05-13. Review status: criteria provided, single submitter. Criteria: GeneDx Variant Classification Process June 2021. Collection method: clinical testing. Allele origin: germline. Affected: yes.
Comment: Identified in a patient with HCM and in a patient with sudden cardiac arrest (SCA) in published literature; both patients harbored additional cardiogenetic variants (PMID: 28771489, 30975432); In silico analysis supports that this missense variant has a deleterious effect on protein structure/function; This variant is associated with the following publications: (PMID: 28771489, 30975432)

Blueprint Genetics
Classification: Likely benign. Last evaluated: 2021-05-17. Review status: criteria provided, single submitter. Criteria: ACMG Guidelines, 2015. Collection method: clinical testing. Allele origin: germline.

Literature cited by the submitters: PubMed 28771489 (cited by Ambry Genetics); PubMed 30975432 (cited by Ambry Genetics and Labcorp Genetics (formerly Invitae), Labcorp).

NM_002471.4(MYH6):c.982G>A (p.Glu328Lys)

Gene: MYH6 (myosin heavy chain 6; minus strand). Cytogenetic location: 14q11.2.
Variant type: single nucleotide variant.
Coding change: c.982G>A on transcript NM_002471.4 (MANE Select); coding-DNA position 982, G replaced by A.
Protein change: p.Glu328Lys; replaces glutamic acid 328 with lysine.
Molecular consequence: missense variant.
Genome position (GRCh38, 1-based): chr14:23,402,717, C>T on the plus strand (G>A on the coding strand, the complement: MYH6 is on the minus strand). VCF-style: chr14-23402717-C-T. GRCh37 (hg19) VCF-style: chr14-23871926-C-T.
Other names: short protein forms E328K.
Identifiers: ClinVar variation 1414911 (VCV001414911.13), dbSNP rs144422878, ClinGen allele CA7115954.